The following is an entry in ClinVar:

NC_000021.8:g.(?_47417315)_(47423927_?)dup

Gene: COL6A1 (collagen type VI alpha 1 chain; plus strand). Cytogenetic location: 21q22.3.
Variant type: Duplication.
Identifiers: ClinVar variation 2424259 (VCV002424259.6).

ClinVar aggregate classification (germline): Uncertain significance (1 of 4 stars; one submission).

Conditions:
Bethlem myopathy 1A. Also called: Bethlem Muscular Dystrophy; MYOPATHY, BENIGN CONGENITAL, WITH CONTRACTURES; Bethlem myopathy 1. Identifiers: Orphanet 610, MedGen CN029274, MONDO:0024530, OMIM 158810.

Submission:

Labcorp Genetics (formerly Invitae), Labcorp
Classification: Uncertain significance for Bethlem myopathy 1A. Last evaluated: 2022-07-11. Review status: criteria provided, single submitter. Criteria: Invitae Variant Classification Sherloc (09022015). Collection method: clinical testing. Allele origin: germline.
Comment: In summary, the available evidence is currently insufficient to determine the role of this variant in disease. Therefore, it has been classified as a Variant of Uncertain Significance. This variant has not been reported in the literature in individuals affected with COL6A1-related conditions. This variant results in a copy number gain of the genomic region encompassing exon(s) 21-35 of the COL6A1 gene. This region includes the termination codon of the gene. This copy number gain extends beyond the assayed region for this gene and therefore may encompass additional genes. As the precise location of this event is unknown, it may be in tandem or it may be located elsewhere in the genome.